The following is an entry in ClinVar:

ClinVar aggregate classification (germline): Benign (1 of 4 stars; one submission).

Conditions:
Juvenile polyposis syndrome (JPS). Identifiers: Orphanet 2929, MedGen C0345893, MONDO:0017380, OMIM 174900.

Submission:

Myriad Genetics, Inc.
Classification: Benign for Juvenile polyposis syndrome. Last evaluated: 2024-07-31. Review status: criteria provided, single submitter. Criteria: Myriad Autosomal Dominant, Autosomal Recessive and X-Linked Classification Criteria (2023). Collection method: clinical testing. Allele origin: unknown.
Comment: This variant is considered benign. This variant is a silent/synonymous amino acid change and it is not expected to impact splicing.

NM_004329.3(BMPR1A):c.78G>A (p.Leu26=)

Gene: BMPR1A (bone morphogenetic protein receptor type 1A; plus strand). Cytogenetic location: 10q23.2.
Variant type: single nucleotide variant.
Coding change: c.78G>A on transcript NM_004329.3 (MANE Select); coding-DNA position 78, G replaced by A.
Protein change: p.Leu26=; no amino-acid change (leucine 26 retained).
Molecular consequence: synonymous variant. On other transcripts: 5 prime UTR variant (5), non-coding transcript variant (3).
Genome position (GRCh38, 1-based): chr10:86,890,072, G>A. VCF-style: chr10-86890072-G-A. GRCh37 (hg19) VCF-style: chr10-88649829-G-A.
Other names: c.78G>A, p.Leu26= (NM_001406559.1, NM_001406560.1, NM_001406561.1 and 23 more transcripts); c.-7G>A (NM_001406584.1, NM_001406585.1, NM_001406586.1 and 2 more transcripts).
Identifiers: ClinVar variation 3378467 (VCV003378467.1).
Genomic context (GRCh38, chr10:86,890,072, plus strand): 5'-AATGAGCTTTTCAGAAATGATTTACTTACAAATTCCATATTTGAATGCAGGACAGAATCT[G>A]GATAGTATGCTTCATGGCACTGGGATGAAATCAGACTCCGACCAGAAAAAGTCAGAAAAT-3'
Protein context (NP_004320.2, residues 16-36): FIISRVQGQN[Leu26=]DSMLHGTGMK